The following is an entry in ClinVar:

NM_002381.5(MATN3):c.176G>A (p.Gly59Asp)

Gene: MATN3 (matrilin 3; minus strand). Cytogenetic location: 2p24.1.
Variant type: single nucleotide variant.
Coding change: c.176G>A on transcript NM_002381.5 (MANE Select); coding-DNA position 176, G replaced by A.
Protein change: p.Gly59Asp; replaces glycine 59 with aspartic acid.
Molecular consequence: missense variant.
Genome position (GRCh38, 1-based): chr2:20,012,456, C>T on the plus strand (G>A on the coding strand, the complement: MATN3 is on the minus strand). VCF-style: chr2-20012456-C-T. GRCh37 (hg19) VCF-style: chr2-20212217-C-T.
Other names: short protein forms G59D.
Identifiers: ClinVar variation 2096370 (VCV002096370.4), dbSNP rs2527712422, ClinGen allele CA345951646.

ClinVar aggregate classification (germline): Uncertain significance (1 of 4 stars; one submission).

Submission:

Labcorp Genetics (formerly Invitae), Labcorp
Classification: Uncertain significance. Last evaluated: 2022-03-30. Review status: criteria provided, single submitter. Criteria: Invitae Variant Classification Sherloc (09022015). Collection method: clinical testing. Allele origin: germline.
Comment: This variant has not been reported in the literature in individuals affected with MATN3-related conditions. In summary, the available evidence is currently insufficient to determine the role of this variant in disease. Therefore, it has been classified as a Variant of Uncertain Significance. Algorithms developed to predict the effect of missense changes on protein structure and function (SIFT, PolyPhen-2, Align-GVGD) all suggest that this variant is likely to be tolerated. This variant is not present in population databases (gnomAD no frequency). This sequence change replaces glycine, which is neutral and non-polar, with aspartic acid, which is acidic and polar, at codon 59 of the MATN3 protein (p.Gly59Asp).